The following is an entry in ClinVar:

ClinVar aggregate classification (germline): Benign. Review status: criteria provided, multiple submitters, no conflicts (2 of 4 stars). 3 submissions from 3 submitters: Benign (3). Last evaluated 2021-06-09.

Allele frequency attached by ClinVar (database versions not stated): 1000 Genomes Project 0.06270; 1000 Genomes Project 30x 0.06309; TOPMed 0.08799; ESP Exome Variant Server 0.09697.
gnomAD v4.1: 139,095 of 1,613,822 alleles (8.6%); highest among the groups gnomAD compares: Middle Eastern, 13%; 6,341 homozygotes.

Submissions (3):

GeneDx
Classification: Benign. Last evaluated: 2021-06-09. Review status: criteria provided, single submitter. Criteria: GeneDx Variant Classification Process June 2021. Collection method: clinical testing. Allele origin: germline. Affected: yes.

Laboratory for Molecular Medicine, Mass General Brigham Personalized Medicine
Classification: Benign. Last evaluated: 2016-03-28. Review status: criteria provided, single submitter. Criteria: LMM Criteria. Collection method: clinical testing. Allele origin: germline.
Comment: Variant identified in a genome or exome case(s) and assessed due to predicted null impact of the variant or pathogenic assertions in the literature or databases. Disclaimer: This variant has not undergone full assessment. The following are preliminary notes: Frequency

Breakthrough Genomics
Classification: Benign. Review status: criteria provided, single submitter. Criteria: ACMG Guidelines, 2015. Collection method: not provided. Allele origin: germline. Inheritance: Unknown mechanism. Affected: yes.

NM_002422.5(MMP3):c.306C>G (p.Thr102=)

Gene: MMP3 (matrix metallopeptidase 3; minus strand). Cytogenetic location: 11q22.2.
Variant type: single nucleotide variant.
Coding change: c.306C>G on transcript NM_002422.5 (MANE Select); coding-DNA position 306, C replaced by G.
Protein change: p.Thr102=; no amino-acid change (threonine 102 retained).
Molecular consequence: synonymous variant.
Genome position (GRCh38, 1-based): chr11:102,842,716, G>C on the plus strand (C>G on the coding strand, the complement: MMP3 is on the minus strand). VCF-style: chr11-102842716-G-C. GRCh37 (hg19) VCF-style: chr11-102713447-G-C.
Other names: NM_002422.3:c.306C>G; p.Thr102Thr.
Identifiers: ClinVar variation 403096 (VCV000403096.6), dbSNP rs41380244, ClinGen allele CA6251199.